The following is an entry in ClinVar:

NM_024503.5(HIVEP3):c.6406-6C>T

Gene: HIVEP3 (HIVEP zinc finger 3; minus strand). Cytogenetic location: 1p34.2.
Variant type: single nucleotide variant.
Coding change: c.6406-6C>T on transcript NM_024503.5 (MANE Select); 6 bases into the intron before coding-DNA position 6406, C replaced by T.
Molecular consequence: intron variant.
Genome position (GRCh38, 1-based): chr1:41,511,272, G>A on the plus strand (C>T on the coding strand, the complement: HIVEP3 is on the minus strand). VCF-style: chr1-41511272-G-A. GRCh37 (hg19) VCF-style: chr1-41976943-G-A.
Other names: c.6406-9C>T (NM_001127714.3).
Identifiers: ClinVar variation 3042374 (VCV003042374.2), dbSNP rs115049022, ClinGen allele CA797207.
Genomic context (GRCh38, chr1:41,511,272, plus strand): 5'-AGAGAGGATGAGCAGGGCCGGGTGAGCAGGAGGGACTTCGGGACTCGGCCTTCTGCTGGG[G>A]TCAGAAAACAAGACAAGGTAAGGTGAAGGTTACATGCTGGGCACATGGGGAGCCGAGGCC-3'

ClinVar aggregate classification (germline): Benign (0 of 4 stars; one submission).

Conditions:
HIVEP3-related disorder. Also called: HIVEP3-related condition.

Allele frequency attached by ClinVar (database versions not stated): ExAC 0.00683; 1000 Genomes Project 0.01338; 1000 Genomes Project 30x 0.01421; gnomAD 0.01433; TOPMed 0.01674; ESP Exome Variant Server 0.01740.
gnomAD v4.1: 4,186 of 1,589,496 alleles (0.26%); highest among the groups gnomAD compares: African/African-American, 5%; 106 homozygotes.

Submission:

PreventionGenetics, part of Exact Sciences
Classification: Benign for HIVEP3-related condition. Last evaluated: 2019-02-21. Review status: no assertion criteria provided. Collection method: clinical testing. Allele origin: germline.
Comment: This variant is classified as benign based on ACMG/AMP sequence variant interpretation guidelines (Richards et al. 2015 PMID: 25741868, with internal and published modifications).